The following is an entry in ClinVar:

ClinVar aggregate classification (germline): Likely benign. Review status: criteria provided, multiple submitters, no conflicts (2 of 4 stars). 2 submissions from 2 submitters: Likely benign (2). Last evaluated 2026-01-21.

Allele frequency attached by ClinVar (database versions not stated): gnomAD exomes 0.00005; ExAC 0.00007; ESP Exome Variant Server 0.00024; TOPMed 0.00024; gnomAD 0.00028 and 0.00032.
gnomAD v4.1: 71 of 1,613,870 alleles (0.0044%); highest among the groups gnomAD compares: African/African-American, 0.084%; no homozygotes.

Submissions (2):

Labcorp Genetics (formerly Invitae), Labcorp
Classification: Likely benign. Last evaluated: 2026-01-21. Review status: criteria provided, single submitter. Criteria: Invitae Variant Classification Sherloc (09022015). Collection method: clinical testing. Allele origin: germline.

Laboratory for Molecular Medicine, Mass General Brigham Personalized Medicine
Classification: Likely benign. Last evaluated: 2016-06-02. Review status: criteria provided, single submitter. Criteria: LMM Criteria. Collection method: clinical testing. Allele origin: germline. Observed: 1 variant allele.
Comment: c.9613-13C>T in intron 58 of MYO15A: This variant is not expected to have clinic al significance because a C>T change at this position does not diverge from the splice consensus sequence and is therefore unlikely to impact splicing. It has b een identified in 8/9794 African chromosomes by the Exome Aggregation Consortium (ExAC; dbSNP rs368335921).

NM_016239.4(MYO15A):c.9613-13C>T

Gene: MYO15A (myosin XVA; plus strand). Cytogenetic location: 17p11.2.
Variant type: single nucleotide variant.
Coding change: c.9613-13C>T on transcript NM_016239.4 (MANE Select); 13 bases into the intron before coding-DNA position 9613, C replaced by T.
Molecular consequence: intron variant.
Genome position (GRCh38, 1-based): chr17:18,163,231, C>T. VCF-style: chr17-18163231-C-T. GRCh37 (hg19) VCF-style: chr17-18066545-C-T.
Identifiers: ClinVar variation 504635 (VCV000504635.8), dbSNP rs368335921, ClinGen allele CA8425620.